The following is an entry in ClinVar:

NM_004055.5(CAPN5):c.779G>A (p.Arg260His)

Gene: CAPN5 (calpain 5; plus strand). Cytogenetic location: 11q13.5.
Variant type: single nucleotide variant.
Coding change: c.779G>A on transcript NM_004055.5 (MANE Select); coding-DNA position 779, G replaced by A.
Protein change: p.Arg260His; replaces arginine 260 with histidine.
Molecular consequence: missense variant.
Genome position (GRCh38, 1-based): chr11:77,115,474, G>A. VCF-style: chr11-77115474-G-A. GRCh37 (hg19) VCF-style: chr11-76826520-G-A.
Other names: short protein forms R260H.
Identifiers: ClinVar variation 1948926 (VCV001948926.5), dbSNP rs782413374, ClinGen allele CA6196556.
Genomic context (GRCh38, chr11:77,115,474, plus strand): 5'-TGGAGGCCCGCCTGGCGTGCGGCCTGGTAAAGGGCCACGCATACGCCGTCACTGATGTGC[G>A]CAAGGTGCGCCTGGGCCACGGCCTACTGGCCTTCTTCAAGTCAGAGAAGTTGGACATGAT-3'
Protein context (NP_004046.2, residues 250-270): KGHAYAVTDV[Arg260His]KVRLGHGLLA

ClinVar aggregate classification (germline): Uncertain significance (1 of 4 stars; one submission).

Allele frequency attached by ClinVar (database versions not stated): gnomAD 0.00001; TOPMed 0.00001; ExAC 0.00002; gnomAD exomes 0.00002.

Submission:

Labcorp Genetics (formerly Invitae), Labcorp
Classification: Uncertain significance. Last evaluated: 2023-04-14. Review status: criteria provided, single submitter. Criteria: Invitae Variant Classification Sherloc (09022015). Collection method: clinical testing. Allele origin: germline.
Comment: This variant has not been reported in the literature in individuals affected with CAPN5-related conditions. ClinVar contains an entry for this variant (Variation ID: 1948926). Advanced modeling of protein sequence and biophysical properties (such as structural, functional, and spatial information, amino acid conservation, physicochemical variation, residue mobility, and thermodynamic stability) performed at Invitae indicates that this missense variant is not expected to disrupt CAPN5 protein function. In summary, the available evidence is currently insufficient to determine the role of this variant in disease. Therefore, it has been classified as a Variant of Uncertain Significance. This variant is present in population databases (rs782413374, gnomAD 0.004%). This sequence change replaces arginine, which is basic and polar, with histidine, which is basic and polar, at codon 260 of the CAPN5 protein (p.Arg260His).